The following is an entry in ClinVar:

NM_172351.3(CD46):c.857-2A>G

Gene: CD46 (CD46 molecule; plus strand). Cytogenetic location: 1q32.2.
Variant type: single nucleotide variant.
Coding change: c.857-2A>G on transcript NM_172351.3 (MANE Select); the canonical splice acceptor site of the intron before coding-DNA position 857, A replaced by G.
Molecular consequence: splice acceptor variant. On other transcripts: intron variant (5).
Genome position (GRCh38, 1-based): chr1:207,767,777, A>G. VCF-style: chr1-207767777-A-G. GRCh37 (hg19) VCF-style: chr1-207941122-A-G.
Other names: c.902-2A>G (NM_002389.4, NM_172359.3); c.857-2A>G (NM_153826.4, NM_172358.3, NM_172355.3 and 1 more transcripts); c.856+582A>G (NM_172352.3, NM_172353.3, NM_172350.3 and 2 more transcripts).
Identifiers: ClinVar variation 4291210 (VCV004291210.1).
Genomic context (GRCh38, chr1:207,767,777, plus strand): 5'-GAAATTGCCAGCAATAACTCCCAAGTGTTTGGTCCAATCTACATTATTATTTTGTTTTCC[A>G]GTGTCGACTTCTTCCACTACAAAATCTCCAGCGTCCAGTGCCTCAGGTTTAGTAATTTCC-3'

ClinVar aggregate classification (germline): Pathogenic (1 of 4 stars; one submission).

Conditions:
Atypical hemolytic-uremic syndrome. Identifiers: Orphanet 2134, MedGen C2931788, MONDO:0016244.

Submission:

Genomenon, Inc
Classification: Pathogenic for Atypical hemolytic-uremic syndrome. Last evaluated: 2025-10-02. Review status: criteria provided, single submitter. Criteria: Genomenon Sequence Variant Interpretation Standards. Collection method: curation. Allele origin: germline. Affected: yes.
Comment: CD46 c.902-2A>G is a canonical splice variant located in the acceptor splice region in intron 7. It is predicted to affect mRNA splicing, leading to a deleterious effect on the CD46 protein. This variant has been observed in at least one proband affected with atypical hemolytic-uremic syndrome (PMID:16762990). The variant was found to segregate with disease in at least one affected family (PMID:16762990). It is absent or not present at a significant frequency in gnomAD. In conclusion, we classify CD46 c.902-2A>G as a pathogenic variant.

Literature cited by the submitters: PubMed 16762990.